The following is an entry in ClinVar:

ClinVar aggregate classification (germline): Uncertain significance (1 of 4 stars; one submission).

Conditions:
Hereditary diffuse gastric adenocarcinoma (HDGC). Also called: DIFFUSE GASTRIC AND LOBULAR BREAST CANCER SYNDROME. Identifiers: Orphanet 26106, MedGen C1708349, MONDO:0007648, OMIM 137215.

Submission:

Labcorp Genetics (formerly Invitae), Labcorp
Classification: Uncertain significance for Hereditary diffuse gastric adenocarcinoma. Last evaluated: 2019-09-01. Review status: criteria provided, single submitter. Criteria: Invitae Variant Classification Sherloc (09022015). Collection method: clinical testing. Allele origin: germline.
Comment: Algorithms developed to predict the effect of missense changes on protein structure and function are either unavailable or do not agree on the potential impact of this missense change (SIFT: "Deleterious"; PolyPhen-2: "Possibly Damaging"; Align-GVGD: "Class C0"). This variant has not been reported in the literature in individuals with CDH1-related conditions. This variant is not present in population databases (ExAC no frequency). This sequence change replaces valine with glycine at codon 501 of the CDH1 protein (p.Val501Gly). The valine residue is highly conserved and there is a moderate physicochemical difference between valine and glycine. In summary, the available evidence is currently insufficient to determine the role of this variant in disease. Therefore, it has been classified as a Variant of Uncertain Significance.

NM_004360.5(CDH1):c.1502T>G (p.Val501Gly)

Gene: CDH1 (cadherin 1; plus strand). Cytogenetic location: 16q22.1.
Variant type: single nucleotide variant.
Coding change: c.1502T>G on transcript NM_004360.5 (MANE Select); coding-DNA position 1502, T replaced by G.
Protein change: p.Val501Gly; replaces valine 501 with glycine.
Molecular consequence: missense variant. On other transcripts: 5 prime UTR variant (2).
Genome position (GRCh38, 1-based): chr16:68,815,696, T>G. VCF-style: chr16-68815696-T-G. GRCh37 (hg19) VCF-style: chr16-68849599-T-G.
Other names: c.1319T>G, p.Val440Gly (NM_001317184.2); c.-47T>G (NM_001317185.2); c.-318T>G (NM_001317186.2); short protein forms V440G, V501G.
Identifiers: ClinVar variation 937692 (VCV000937692.10), dbSNP rs1960968094, ClinGen allele CA396463279.